The following is an entry in ClinVar:

NM_015340.4(LARS2):c.1987C>T (p.Arg663Trp)

Gene: LARS2 (leucyl-tRNA synthetase 2, mitochondrial; plus strand). Cytogenetic location: 3p21.31.
Variant type: single nucleotide variant.
Coding change: c.1987C>T on transcript NM_015340.4 (MANE Select); coding-DNA position 1987, C replaced by T.
Protein change: p.Arg663Trp; replaces arginine 663 with tryptophan.
Molecular consequence: missense variant.
Genome position (GRCh38, 1-based): chr3:45,516,219, C>T. VCF-style: chr3-45516219-C-T. GRCh37 (hg19) VCF-style: chr3-45557711-C-T.
Other names: c.1987C>T, p.Arg663Trp (NM_001368263.1); short protein forms R663W.
Identifiers: ClinVar variation 431124 (VCV000431124.13), dbSNP rs774649299, ClinGen allele CA2349739.
Genomic context (GRCh38, chr3:45,516,219, plus strand): 5'-TCCAAACACAACGGGGTGGACCCAGAGGAAGTTGTGGAGCAGTATGGGATCGACACGATT[C>T]GGCTCTACATCCTTTTTGCTGCCCCTCCTGAGAAGGATATCTTGTGGGATGTGAAAAGTA-3'
Protein context (NP_056155.1, residues 653-673): VVEQYGIDTI[Arg663Trp]LYILFAAPPE

ClinVar aggregate classification (germline): Pathogenic/Likely pathogenic. Review status: criteria provided, multiple submitters, no conflicts (2 of 4 stars). 7 submissions from 7 submitters: Pathogenic (2); Likely pathogenic (3). 2 of the submissions do not count toward it. Last evaluated 2026-01-19.

Conditions:
Perrault syndrome 4 (PRLTS4). Identifiers: Orphanet 2855, MedGen C3809105, MONDO:0014126, OMIM 615300.
Hydrops-lactic acidosis-sideroblastic anemia-multisystemic failure syndrome. Also called: Hydrops, lactic acidosis, and sideroblastic anemia. Identifiers: Orphanet 528091, MedGen C4310761, MONDO:0014869, OMIM 617021.

Allele frequency attached by ClinVar (database versions not stated): gnomAD 0.00001; gnomAD exomes 0.00001; TOPMed 0.00001; ExAC 0.00002.
gnomAD v4.1: 13 of 1,614,018 alleles (0.00081%); highest among the groups gnomAD compares: Admixed American, 0.0017%; no homozygotes.

Submissions (7):

Dasa
Classification: Likely pathogenic. Last evaluated: 2026-01-19. Review status: criteria provided, single submitter. Criteria: DASA Assertion Criteria. Collection method: clinical testing. Allele origin: germline.
Comment: NM_015340.4(LARS2):c.1987C>T (p.Arg663Trp) is a missense variant that results in the substitution of arginine with tryptophan. This variant has been reported in individuals with LARS2-related disorders (PMID: 30737337). Functional evidence supports an impact on the gene or gene product (PMID: 28708303; PMID: 30737337). Also, this variant is rare in population databases. Computational evidence supports a deleterious effect. Based on the currently available evidence, this variant is classified as likely pathogenic.

Labcorp Genetics (formerly Invitae), Labcorp
Classification: Pathogenic. Last evaluated: 2025-11-05. Review status: criteria provided, single submitter. Criteria: Invitae Variant Classification Sherloc (09022015). Collection method: clinical testing. Allele origin: germline.
Comment: This sequence change replaces arginine, which is basic and polar, with tryptophan, which is neutral and slightly polar, at codon 663 of the LARS2 protein (p.Arg663Trp). This variant is present in population databases (rs774649299, gnomAD 0.004%). This missense change has been observed in individuals with Perrault syndrome (PMID: 28708303, 30737337, 32399598, 36570450). It has also been observed to segregate with disease in related individuals. ClinVar contains an entry for this variant (Variation ID: 431124). Invitae Evidence Modeling of protein sequence and biophysical properties (such as structural, functional, and spatial information, amino acid conservation, physicochemical variation, residue mobility, and thermodynamic stability) indicates that this missense variant is expected to disrupt LARS2 protein function with a positive predictive value of 80%. Experimental studies have shown that this missense change affects LARS2 function (PMID: 30737337). For these reasons, this variant has been classified as Pathogenic.

GeneDx
Classification: Likely pathogenic. Last evaluated: 2024-03-05. Review status: criteria provided, single submitter. Criteria: GeneDx Variant Classification Process June 2021. Collection method: clinical testing. Allele origin: germline.
Comment: Published functional studies suggest this variant is associated with reduced mitochondrial leucyl-tRNA synthase activity (PMID: 30737337); In silico analysis supports that this missense variant has a deleterious effect on protein structure/function; Not observed at significant frequency in large population cohorts (gnomAD); This variant is associated with the following publications: (PMID: 31589614, 30737337, 28708303, 36597107, 35750896, 32399598)

Groupe Hospitalier Pitie Salpetriere, Uf Genomique Du Developpement, Assistance Publique Hopitaux de Paris Sorbonne Université
Classification: Pathogenic for Perrault syndrome 4. Last evaluated: 2017-01-06. Review status: criteria provided, single submitter. Criteria: ACMG Guidelines, 2015. Collection method: clinical testing. Allele origin: maternal. Affected: yes. Observed: 1 variant allele.

Juno Genomics, Hangzhou Juno Genomics, Inc
Classification: Likely pathogenic for Hydrops-lactic acidosis-sideroblastic anemia-multisystemic failure syndrome; Perrault syndrome 4. Review status: criteria provided, single submitter. Criteria: ACMG Guidelines, 2015. Collection method: clinical testing. Allele origin: germline.
Comment: Absent from controls (or at extremely low frequency if recessive) in Genome Aggregation Database.;Well-established in vitro or in vivo functional studies supportive of a damaging effect on the gene or gene product.;For recessive disorders, detected in trans with a pathogenic variant.;Patient's phenotype or family history is highly specific for a disease with a single genetic etiology.;Co-segregation with disease in multiple affected family members.

OMIM
Classification: Pathogenic for PERRAULT SYNDROME 4. Last evaluated: 2021-01-15. Review status: no assertion criteria provided. Collection method: literature only. Allele origin: germline. Not counted in ClinVar's aggregate classification.

Reproductive Development, Murdoch Childrens Research Institute
Classification: Pathogenic for Perrault syndrome 4. Last evaluated: 2019-10-21. Review status: no assertion criteria provided. Criteria: ACMG Guidelines, 2015. Collection method: research. Allele origin: paternal. Affected: yes. Not counted in ClinVar's aggregate classification.

Literature cited by the submitters: PubMed 28708303 (cited by 3 submitters); PubMed 30737337 (cited by 3 submitters); PubMed 32399598 (cited by Labcorp Genetics (formerly Invitae), Labcorp); PubMed 36570450 (cited by Labcorp Genetics (formerly Invitae), Labcorp).